The following is an entry in ClinVar:

NM_153704.6(TMEM67):c.5C>T (p.Ala2Val)

Gene: TMEM67 (transmembrane protein 67; plus strand). Cytogenetic location: 8q22.1.
Variant type: single nucleotide variant.
Coding change: c.5C>T on transcript NM_153704.6 (MANE Select); coding-DNA position 5, C replaced by T.
Protein change: p.Ala2Val; replaces alanine 2 with valine.
Molecular consequence: missense variant. On other transcripts: non-coding transcript variant (1), intron variant (1).
Genome position (GRCh38, 1-based): chr8:93,754,919, C>T. VCF-style: chr8-93754919-C-T. GRCh37 (hg19) VCF-style: chr8-94767147-C-T.
Other names: c.-180+10C>T (NM_001142301.1); short protein forms A2V.
Identifiers: ClinVar variation 1350345 (VCV001350345.9), dbSNP rs770813739, ClinGen allele CA4807490.

ClinVar aggregate classification (germline): Uncertain significance. Review status: criteria provided, multiple submitters, no conflicts (2 of 4 stars). 2 submissions from 2 submitters: Uncertain significance (2). Last evaluated 2024-10-29.

Conditions:
Joubert syndrome 6 (JBTS6). Identifiers: Orphanet 475, MedGen C1853153, MONDO:0012539, OMIM 610688.
Nephronophthisis 11 (NPHP11). Identifiers: Orphanet 84081, MedGen C3150796, MONDO:0013302, OMIM 613550.
Bardet-Biedl syndrome 14 (BBS14). Identifiers: Orphanet 110, MedGen C2673874, MONDO:0014442, OMIM 615991.
COACH syndrome 1. Identifiers: Orphanet 1454, MedGen C5435651, MONDO:0800103, OMIM 216360, MONDO:0008996.
Meckel syndrome, type 3 (MKS3). Also called: MECKEL-GRUBER SYNDROME, TYPE 3. Identifiers: Orphanet 564, MedGen C1846357, MONDO:0011821, OMIM 607361.
RHYNS syndrome. Also called: RETINITIS PIGMENTOSA SYNDROME; RETINITIS PIGMENTOSA, HYPOPITUITARISM, NEPHRONOPHTHISIS, AND MILD SKELETAL DYSPLASIA. Identifiers: Orphanet 140976, MedGen C1865794, MONDO:0011202, OMIM 602152.
Meckel-Gruber syndrome. Also called: Dysencephalia splachnocystica; DYSENCEPHALIA SPLANCHNOCYSTICA; GRUBER SYNDROME. Identifiers: Orphanet 564, MedGen C0265215, MONDO:0018921.
Joubert syndrome. Also called: Familial aplasia of the vermis; JOUBERT-BOLTSHAUSER SYNDROME. Identifiers: Orphanet 475, MedGen C5979921, MONDO:0018772.

Allele frequency attached by ClinVar (database versions not stated): TOPMed below 0.00001; gnomAD exomes 0.00001 and 0.00002; ExAC 0.00002.
gnomAD v4.1: 3 of 1,613,676 alleles (0.00019%); highest among the groups gnomAD compares: East Asian, 0.0045%; no homozygotes.

Submissions (3):

Labcorp Genetics (formerly Invitae), Labcorp
Classification: Uncertain significance for Joubert syndrome; Meckel-Gruber syndrome. Last evaluated: 2024-10-29. Review status: criteria provided, single submitter. Criteria: Invitae Variant Classification Sherloc (09022015). Collection method: clinical testing. Allele origin: germline.
Comment: This sequence change replaces alanine, which is neutral and non-polar, with valine, which is neutral and non-polar, at codon 2 of the TMEM67 protein (p.Ala2Val). This variant is present in population databases (rs770813739, gnomAD 0.02%). This variant has not been reported in the literature in individuals affected with TMEM67-related conditions. ClinVar contains an entry for this variant (Variation ID: 1350345). An algorithm developed to predict the effect of missense changes on protein structure and function outputs the following: PolyPhen-2: "Benign". The valine amino acid residue is found in multiple mammalian species, which suggests that this missense change does not adversely affect protein function. In summary, the available evidence is currently insufficient to determine the role of this variant in disease. Therefore, it has been classified as a Variant of Uncertain Significance.

Department of Pathology and Laboratory Medicine, Sinai Health System
Classification: Uncertain significance for COACH syndrome 1; RHYNS syndrome; Meckel syndrome, type 3; Joubert syndrome 6; Nephronophthisis 11; Bardet-Biedl syndrome 14. Last evaluated: 2021-08-11. Review status: criteria provided, single submitter. Criteria: ACMG Guidelines, 2015. Collection method: research. Allele origin: germline.

Dr. Peter K. Rogan Lab, Western University
No classification provided (evidence only). Condition: Gastric cancer. Review status: no classification provided. Collection method: in vitro. Allele origin: not applicable. Functional consequence: retained intron. Not counted in ClinVar's aggregate classification.